The following is an entry in ClinVar:

ClinVar aggregate classification (germline): Uncertain significance. Review status: criteria provided, multiple submitters, no conflicts (2 of 4 stars). 3 submissions from 3 submitters: Uncertain significance (3). Last evaluated 2025-08-25.

Allele frequency attached by ClinVar (database versions not stated): gnomAD 0.00001; TOPMed 0.00002; gnomAD exomes 0.00003.
gnomAD v4.1: 43 of 1,613,832 alleles (0.0027%); highest among the groups gnomAD compares: Non-Finnish European, 0.0032%; no homozygotes.

Submissions (3):

Ambry Genetics
Classification: Uncertain significance. Last evaluated: 2025-08-25. Review status: criteria provided, single submitter. Criteria: Ambry Variant Classification Scheme 2023. Collection method: clinical testing. Allele origin: germline.

Labcorp Genetics (formerly Invitae), Labcorp
Classification: Uncertain significance. Last evaluated: 2023-11-25. Review status: criteria provided, single submitter. Criteria: Invitae Variant Classification Sherloc (09022015). Collection method: clinical testing. Allele origin: germline.
Comment: This sequence change replaces threonine, which is neutral and polar, with asparagine, which is neutral and polar, at codon 650 of the IMPG1 protein (p.Thr650Asn). This variant is present in population databases (rs267601131, gnomAD 0.002%). This variant has not been reported in the literature in individuals affected with IMPG1-related conditions. ClinVar contains an entry for this variant (Variation ID: 2142963). An algorithm developed to predict the effect of missense changes on protein structure and function (PolyPhen-2) suggests that this variant is likely to be disruptive. In summary, the available evidence is currently insufficient to determine the role of this variant in disease. Therefore, it has been classified as a Variant of Uncertain Significance.

Blueprint Genetics
Classification: Uncertain significance. Last evaluated: 2020-09-16. Review status: criteria provided, single submitter. Criteria: ACMG Guidelines, 2015. Collection method: clinical testing. Allele origin: germline.

NM_001563.4(IMPG1):c.1949C>A (p.Thr650Asn)

Gene: IMPG1 (interphotoreceptor matrix proteoglycan 1; minus strand). Cytogenetic location: 6q14.1.
Variant type: single nucleotide variant.
Coding change: c.1949C>A on transcript NM_001563.4 (MANE Select); coding-DNA position 1949, C replaced by A.
Protein change: p.Thr650Asn; replaces threonine 650 with asparagine.
Molecular consequence: missense variant.
Genome position (GRCh38, 1-based): chr6:75,947,409, G>T on the plus strand (C>A on the coding strand, the complement: IMPG1 is on the minus strand). VCF-style: chr6-75947409-G-T. GRCh37 (hg19) VCF-style: chr6-76657126-G-T.
Other names: c.1715C>A, p.Thr572Asn (NM_001282368.2); short protein forms T650N, T572N.
Identifiers: ClinVar variation 2142963 (VCV002142963.6), dbSNP rs267601131, ClinGen allele CA141080885.
Genomic context (GRCh38, chr6:75,947,409, plus strand): 5'-AGATGGAGTTGTTGGGCTGCAGCAGAACGAAAATCCTCCAAGACCCCGTGCACAGCCTTG[G>T]TGAGGTTATACGGCACTGACTTAGCAAACTTCATTTTGCTATTCACAATCACACTCCCGT-3'
Protein context (NP_001554.2, residues 640-660): KFAKSVPYNL[Thr650Asn]KAVHGVLEDF